The following is an entry in ClinVar:

ClinVar aggregate classification (germline): Benign. Review status: criteria provided, single submitter (1 of 4 stars). 2 submissions from 2 submitters: Benign (1). 1 of the submissions does not count toward it. Last evaluated 2019-12-31.

Conditions:
PLXND1-related disorder. Also called: PLXND1-related condition.

Allele frequency attached by ClinVar (database versions not stated): ESP Exome Variant Server 0.00015; gnomAD 0.00076 and 0.00107; gnomAD exomes 0.00158 and 0.00556; 1000 Genomes Project 0.00180; TOPMed 0.00198; 1000 Genomes Project 30x 0.00203; ExAC 0.00495.
gnomAD v4.1: 2,421 of 1,613,824 alleles (0.15%); highest among the groups gnomAD compares: Admixed American, 2%; 45 homozygotes.

Submissions (2):

Labcorp Genetics (formerly Invitae), Labcorp
Classification: Benign. Last evaluated: 2019-12-31. Review status: criteria provided, single submitter. Criteria: Invitae Variant Classification Sherloc (09022015). Collection method: clinical testing. Allele origin: germline.

PreventionGenetics, part of Exact Sciences
Classification: Benign for PLXND1-related condition. Last evaluated: 2019-09-26. Review status: no assertion criteria provided. Collection method: clinical testing. Allele origin: germline. Not counted in ClinVar's aggregate classification.
Comment: This variant is classified as benign based on ACMG/AMP sequence variant interpretation guidelines (Richards et al. 2015 PMID: 25741868, with internal and published modifications).

NM_015103.3(PLXND1):c.2918G>A (p.Arg973Gln)

Gene: PLXND1 (plexin D1; minus strand). Cytogenetic location: 3q22.1.
Variant type: single nucleotide variant.
Coding change: c.2918G>A on transcript NM_015103.3 (MANE Select); coding-DNA position 2918, G replaced by A.
Protein change: p.Arg973Gln; replaces arginine 973 with glutamine.
Molecular consequence: missense variant.
Genome position (GRCh38, 1-based): chr3:129,572,861, C>T on the plus strand (G>A on the coding strand, the complement: PLXND1 is on the minus strand). VCF-style: chr3-129572861-C-T. GRCh37 (hg19) VCF-style: chr3-129291704-C-T.
Other names: short protein forms R973Q.
Identifiers: ClinVar variation 771352 (VCV000771352.6), dbSNP rs200818763, ClinGen allele CA2608833.